The following is an entry in ClinVar:

ClinVar aggregate classification (germline): Uncertain significance (1 of 4 stars; one submission).

Conditions:
Seizures, benign familial infantile, 3 (BFIS3). Also called: Familial neonatal seizures; CONVULSIONS, BENIGN FAMILIAL INFANTILE, 3. Identifiers: Orphanet 140927, Orphanet 306, MedGen C1843140, MONDO:0011904, OMIM 607745.
Developmental and epileptic encephalopathy, 11 (DEE11). Also called: Early infantile epileptic encephalopathy 11. Identifiers: Orphanet 1934, MedGen C3150987, MONDO:0013388, OMIM 613721.

Submission:

Labcorp Genetics (formerly Invitae), Labcorp
Classification: Uncertain significance for Seizures, benign familial infantile, 3; Developmental and epileptic encephalopathy, 11. Last evaluated: 2023-11-27. Review status: criteria provided, single submitter. Criteria: Invitae Variant Classification Sherloc (09022015). Collection method: clinical testing. Allele origin: germline.
Comment: This sequence change replaces isoleucine, which is neutral and non-polar, with valine, which is neutral and non-polar, at codon 417 of the SCN2A protein (p.Ile417Val). This variant is not present in population databases (gnomAD no frequency). This variant has not been reported in the literature in individuals affected with SCN2A-related conditions. ClinVar contains an entry for this variant (Variation ID: 2128643). Advanced modeling of protein sequence and biophysical properties (such as structural, functional, and spatial information, amino acid conservation, physicochemical variation, residue mobility, and thermodynamic stability) performed at Invitae indicates that this missense variant is not expected to disrupt SCN2A protein function with a negative predictive value of 95%. In summary, the available evidence is currently insufficient to determine the role of this variant in disease. Therefore, it has been classified as a Variant of Uncertain Significance.

NM_001040142.2(SCN2A):c.1249A>G (p.Ile417Val)

Gene: SCN2A (sodium voltage-gated channel alpha subunit 2; plus strand). Cytogenetic location: 2q24.3.
Variant type: single nucleotide variant.
Coding change: c.1249A>G on transcript NM_001040142.2 (MANE Select); coding-DNA position 1249, A replaced by G.
Protein change: p.Ile417Val; replaces isoleucine 417 with valine.
Molecular consequence: missense variant.
Genome position (GRCh38, 1-based): chr2:165,313,974, A>G. VCF-style: chr2-165313974-A-G. GRCh37 (hg19) VCF-style: chr2-166170484-A-G.
Other names: c.1249A>G, p.Ile417Val (NM_001040143.2, NM_001371246.1, NM_001371247.1 and 1 more transcripts); short protein forms I417V.
Identifiers: ClinVar variation 2128643 (VCV002128643.4), dbSNP rs2467902663, ClinGen allele CA349022207.
Genomic context (GRCh38, chr2:165,313,974, plus strand): 5'-GCTGGGAAAACGTACATGATATTTTTTGTGCTGGTCATTTTCTTGGGCTCATTCTATCTA[A>G]TAAATTTGATCTTGGCTGTGGTGGCCATGGCCTATGAGGAACAGAATCAGGCCACATTGG-3'
Protein context (NP_001035232.1, residues 407-427): LVIFLGSFYL[Ile417Val]NLILAVVAMA